The following is an entry in ClinVar:

NM_000536.4(RAG2):c.161A>G (p.His54Arg)

Gene: RAG2 (recombination activating 2; minus strand). Cytogenetic location: 11p12.
Variant type: single nucleotide variant.
Coding change: c.161A>G on transcript NM_000536.4 (MANE Select); coding-DNA position 161, A replaced by G.
Protein change: p.His54Arg; replaces histidine 54 with arginine.
Molecular consequence: missense variant.
Genome position (GRCh38, 1-based): chr11:36,594,008, T>C on the plus strand (A>G on the coding strand, the complement: RAG2 is on the minus strand). VCF-style: chr11-36594008-T-C. GRCh37 (hg19) VCF-style: chr11-36615558-T-C.
Other names: c.161A>G, p.His54Arg (NM_001243785.2, NM_001243786.2); short protein forms H54R.
Identifiers: ClinVar variation 2142496 (VCV002142496.2), dbSNP rs377416657, ClinGen allele CA220580698.

ClinVar aggregate classification (germline): Uncertain significance (1 of 4 stars; one submission).

Conditions:
Severe combined immunodeficiency, autosomal recessive, T cell-negative, B cell-negative, NK cell-positive. Also called: SCID, T CELL-NEGATIVE, B CELL-NEGATIVE, NK CELL-POSITIVE; SCID, AR, T-cell negative, B-cell negative, NK cell-positive; Severe combined immunodeficiency due to complete RAG1/2 deficiency. Identifiers: Orphanet 331206, MedGen C1832322, MONDO:0011086, OMIM 601457.
Combined immunodeficiency with skin granulomas. Identifiers: Orphanet 157949, MedGen C2673536, MONDO:0009306, OMIM 233650.

Allele frequency attached by ClinVar (database versions not stated): gnomAD exomes below 0.00001; gnomAD 0.00001; TOPMed 0.00002; ESP Exome Variant Server 0.00008.
gnomAD v4.1: 7 of 1,614,060 alleles (0.00043%); highest among the groups gnomAD compares: Admixed American, 0.0083%; no homozygotes.

Submission:

Labcorp Genetics (formerly Invitae), Labcorp
Classification: Uncertain significance for Combined immunodeficiency with skin granulomas; Severe combined immunodeficiency, autosomal recessive, T cell-negative, B cell-negative, NK cell-positive. Last evaluated: 2024-10-28. Review status: criteria provided, single submitter. Criteria: Invitae Variant Classification Sherloc (09022015). Collection method: clinical testing. Allele origin: germline.
Comment: This sequence change replaces histidine, which is basic and polar, with arginine, which is basic and polar, at codon 54 of the RAG2 protein (p.His54Arg). This variant is present in population databases (rs377416657, gnomAD 0.006%). This variant has not been reported in the literature in individuals affected with RAG2-related conditions. ClinVar contains an entry for this variant (Variation ID: 2142496). Invitae Evidence Modeling of protein sequence and biophysical properties (such as structural, functional, and spatial information, amino acid conservation, physicochemical variation, residue mobility, and thermodynamic stability) indicates that this missense variant is not expected to disrupt RAG2 protein function with a negative predictive value of 95%. In summary, the available evidence is currently insufficient to determine the role of this variant in disease. Therefore, it has been classified as a Variant of Uncertain Significance.